The following is an entry in ClinVar:

NM_001009944.3(PKD1):c.9647_9648del (p.Asn3216fs)

Gene: PKD1 (polycystin 1, transient receptor potential channel interacting; minus strand). Cytogenetic location: 16p13.3.
Variant type: Deletion.
Coding change: c.9647_9648del on transcript NM_001009944.3 (MANE Select); coding-DNA positions 9647 to 9648, 2 bases deleted (AT; older notation c.9647_9648delAT).
Protein change: p.Asn3216fs; shifts the reading frame from asparagine 3216.
Molecular consequence: frameshift variant.
Genome position (GRCh38, 1-based): chr16:2,100,230-2,100,231, AT deleted on the plus strand (AT on the coding strand, the reverse complement: PKD1 is on the minus strand). VCF-style (leftmost placement, unchanged base first): chr16-2100229-CAT-C. GRCh37 (hg19) VCF-style: chr16-2150230-CAT-C.
Other names: c.9647_9648del, p.Asn3216fs (NM_000296.4); short protein forms N3216fs.
Identifiers: ClinVar variation 3381997 (VCV003381997.2).

ClinVar aggregate classification (germline): Pathogenic (1 of 4 stars; one submission).

Conditions:
Polycystic kidney disease, adult type (PKD1). Also called: POLYCYSTIC KIDNEY DISEASE, ADULT, TYPE I; Polycystic Kidney Disease 1, Autosomal Dominant; Polycystic kidney disease 1; Polycystic kidney disease 1, severe; Polycystic Kidney, Autosomal Dominant; POLYCYSTIC KIDNEY DISEASE 1 WITH OR WITHOUT POLYCYSTIC LIVER DISEASE. Identifiers: MedGen C3149841, MONDO:0008263, OMIM 173900.

Submission:

Juno Genomics, Hangzhou Juno Genomics, Inc
Classification: Pathogenic for Polycystic kidney disease, adult type. Review status: criteria provided, single submitter. Criteria: ACMG Guidelines, 2015. Collection method: clinical testing. Allele origin: germline. Affected: yes.
Comment: Null variant in a gene where loss of function (LOF) is a known mechanism of disease.;Absent from controls (or at extremely low frequency if recessive) in Genome Aggregation Database, Exome Sequencing Project, 1000 Genomes Project, or Exome Aggregation Consortium.;Patient's phenotype or family history is highly specific for a disease with a single genetic etiology.